The following is an entry in ClinVar:

NM_001184880.2(PCDH19):c.826T>C (p.Ser276Pro)

Gene: PCDH19 (protocadherin 19; minus strand). Cytogenetic location: Xq22.1.
Variant type: single nucleotide variant.
Coding change: c.826T>C on transcript NM_001184880.2 (MANE Select); coding-DNA position 826, T replaced by C.
Protein change: p.Ser276Pro; replaces serine 276 with proline.
Molecular consequence: missense variant.
Genome position (GRCh38, 1-based): chrX:100,407,772, A>G on the plus strand (T>C on the coding strand, the complement: PCDH19 is on the minus strand). VCF-style: chrX-100407772-A-G. GRCh37 (hg19) VCF-style: chrX-99662770-A-G.
Other names: c.826T>C, p.Ser276Pro (NM_001105243.2, NM_020766.3); short protein forms S276P.
Identifiers: ClinVar variation 4855225 (VCV004855225.1).

ClinVar aggregate classification (germline): Likely pathogenic (1 of 4 stars; one submission).

Conditions:
Developmental and epileptic encephalopathy, 9 (DEE9). Also called: JUBERG-HELLMAN SYNDROME; PCDH19-Related X-Linked Female-Limited Epilepsy with Mental Retardation; Early infantile epileptic encephalopathy 9; EPILEPSY, FEMALE-RESTRICTED, WITH MENTAL RETARDATION. Identifiers: Orphanet 101039, Orphanet 2076, MedGen C1848137, MONDO:0010246, OMIM 300088. Disease mechanism: loss of function.

Submission:

3billion
Classification: Likely pathogenic for Developmental and epileptic encephalopathy, 9. Last evaluated: 2025-10-20. Review status: criteria provided, single submitter. Criteria: ACMG Guidelines, 2015. Collection method: clinical testing. Allele origin: germline. Affected: yes.
Comment: The variant is not observed in the gnomAD v4.1.0 dataset. Predicted Consequence/Location: Missense variant In silico tool predictions suggest damaging effect of the variant on gene or gene product [REVEL: 0.74 (>=0.6, sensitivity 0.68 and specificity 0.92); 3Cnet: 0.96 (> 0.75, sensitivity 0.96 and precision 0.92)]. The same nucleotide change resulting in the same amino acid change has been previously reported to be associated with PCDH19-related disorder (PMID: 19752159). The variant has been previously reported as de novo in a similarly affected individual (PMID: 19752159). Therefore, this variant is classified as Likely pathogenic according to the recommendation of ACMG/AMP guideline.

Literature cited by the submitters: PubMed 19752159.